The following is an entry in ClinVar:

NM_016239.4(MYO15A):c.4533C>G (p.Ala1511=)

Gene: MYO15A (myosin XVA; plus strand). Cytogenetic location: 17p11.2.
Variant type: single nucleotide variant.
Coding change: c.4533C>G on transcript NM_016239.4 (MANE Select); coding-DNA position 4533, C replaced by G.
Protein change: p.Ala1511=; no amino-acid change (alanine 1511 retained).
Molecular consequence: synonymous variant.
Genome position (GRCh38, 1-based): chr17:18,135,761, C>G. VCF-style: chr17-18135761-C-G. GRCh37 (hg19) VCF-style: chr17-18039075-C-G.
Identifiers: ClinVar variation 3027327 (VCV003027327.22), dbSNP rs114328138, ClinGen allele CA8423929.

ClinVar aggregate classification (germline): Likely benign (1 of 4 stars; one submission).

gnomAD v4.1: 4 of 1,614,136 alleles (0.00025%); highest among the groups gnomAD compares: Non-Finnish European, 0.00034%; no homozygotes.

Submission:

CeGaT Center for Human Genetics Tuebingen
Classification: Likely benign. Last evaluated: 2024-02-01. Review status: criteria provided, single submitter. Criteria: CeGaT Center For Human Genetics Tuebingen Variant Classification Criteria Version 2. Collection method: clinical testing. Allele origin: germline. Affected: yes. Observed: 1 variant allele.
Comment: MYO15A: BP4, BP7